The following is an entry in ClinVar:

NM_016222.4(DDX41):c.665T>C (p.Ile222Thr)

Gene: DDX41 (DEAD-box helicase 41; minus strand). Cytogenetic location: 5q35.3.
Variant type: single nucleotide variant.
Coding change: c.665T>C on transcript NM_016222.4 (MANE Select); coding-DNA position 665, T replaced by C.
Protein change: p.Ile222Thr; replaces isoleucine 222 with threonine.
Molecular consequence: missense variant.
Genome position (GRCh38, 1-based): chr5:177,515,049, A>G on the plus strand (T>C on the coding strand, the complement: DDX41 is on the minus strand). VCF-style: chr5-177515049-A-G. GRCh37 (hg19) VCF-style: chr5-176942050-A-G.
Other names: c.287T>C, p.Ile96Thr (NM_001321732.2, NM_001321830.2); short protein forms I222T, I96T.
Identifiers: ClinVar variation 4869641 (VCV004869641.1).
Genomic context (GRCh38, chr5:177,515,049, plus strand): 5'-AACATGATGACGGGCAACGTGAACACCAGTGTCTTGCCTGAACCCGTGAAAGCGATGCCT[A>G]TCATGTCACGGCCAGATAGACTGTTGGGAGAGGATGACCCGAGGGCCAATTTCAACAGAA-3'
Protein context (NP_057306.2, residues 212-232): IPTILSGRDM[Ile222Thr]GIAFTGSGKT

ClinVar aggregate classification (germline): Uncertain significance (1 of 4 stars; one submission).

Conditions:
Inborn genetic diseases. Identifiers: MedGen C0950123, MeSH D030342.

Submission:

Ambry Genetics
Classification: Uncertain significance for Inborn genetic diseases. Last evaluated: 2026-04-03. Review status: criteria provided, single submitter. Criteria: Ambry Variant Classification Scheme 2023. Collection method: clinical testing. Allele origin: germline.
Comment: The p.I222T variant (also known as c.665T>C), located in coding exon 8 of the DDX41 gene, results from a T to C substitution at nucleotide position 665. The isoleucine at codon 222 is replaced by threonine, an amino acid with similar properties. This amino acid position is conserved. In addition, this alteration is predicted to be deleterious by in silico analysis. Based on the available evidence, the clinical significance of this variant remains unclear.